The following is an entry in ClinVar:

NM_000235.4(LIPA):c.822+1G>A

Gene: LIPA (lipase A, lysosomal acid type; minus strand). Cytogenetic location: 10q23.31.
Variant type: single nucleotide variant.
Coding change: c.822+1G>A on transcript NM_000235.4 (MANE Select); the canonical splice donor site of the intron after coding-DNA position 822, G replaced by A.
Molecular consequence: splice donor variant.
Genome position (GRCh38, 1-based): chr10:89,223,683, C>T on the plus strand (G>A on the coding strand, the complement: LIPA is on the minus strand). VCF-style: chr10-89223683-C-T. GRCh37 (hg19) VCF-style: chr10-90983440-C-T.
Other names: c.822+1G>A (NM_000235.3, NM_001127605.3); c.474+1G>A (NM_001288979.2).
Identifiers: ClinVar variation 550739 (VCV000550739.7), dbSNP rs1204744283, ClinGen allele CA377516807.

ClinVar aggregate classification (germline): Likely pathogenic. Review status: criteria provided, multiple submitters, no conflicts (2 of 4 stars). 3 submissions from 3 submitters: Likely pathogenic (2). 1 of the submissions does not count toward it. Last evaluated 2025-09-24.

Conditions:
Cholesteryl ester storage disease (CESD). Also called: Childhood/Adult-Onset LAL-D (Cholesterol Ester Storage Disease [CESD]). Identifiers: Orphanet 75234, MedGen C0008384, MONDO:0019149, OMIM 278000.
Wolman disease (WOLD). Also called: Wolman disease, CESD; LYSOSOMAL ACID LIPASE DEFICIENCY, ACUTE INFANTILE; LYSOSOMAL ACID LIPASE DEFICIENCY, COMPLETE; LIPA DEFICIENCY, COMPLETE; LAL DEFICIENCY, COMPLETE; CHOLESTEROL ESTER HYDROLASE DEFICIENCY, COMPLETE. Identifiers: Orphanet 75233, MedGen C0043208, MONDO:0019148, OMIM 620151.
Lysosomal acid lipase deficiency. Also called: Acid cholesteryl ester hydrolase deficiency, type 2. Identifiers: Orphanet 275761, MedGen C5574740, MONDO:0800449, MONDO:0010204.

Allele frequency attached by ClinVar (database versions not stated): gnomAD 0.00001; TOPMed below 0.00001.
gnomAD v4.1: 5 of 1,604,644 alleles (0.00031%); highest among the groups gnomAD compares: South Asian, 0.0011%; no homozygotes.

Submissions (3):

Labcorp Genetics (formerly Invitae), Labcorp
Classification: Likely pathogenic for Wolman disease. Last evaluated: 2025-09-24. Review status: criteria provided, single submitter. Criteria: Invitae Variant Classification Sherloc (09022015). Collection method: clinical testing. Allele origin: germline.
Comment: This sequence change affects a donor splice site in intron 7 of the LIPA gene. It is expected to disrupt RNA splicing. Variants that disrupt the donor or acceptor splice site typically lead to a loss of protein function (PMID: 16199547), and loss-of-function variants in LIPA are known to be pathogenic (PMID: 23485521). This variant is present in population databases (no rsID available, gnomAD 0.007%). This variant has not been reported in the literature in individuals affected with LIPA-related conditions. ClinVar contains an entry for this variant (Variation ID: 550739). Algorithms developed to predict the effect of sequence changes on RNA splicing suggest that this variant may disrupt the consensus splice site. In summary, the currently available evidence indicates that the variant is pathogenic, but additional data are needed to prove that conclusively. Therefore, this variant has been classified as Likely Pathogenic.

Natera, Inc.
Classification: Likely pathogenic for Lysosomal acid lipase deficiency. Last evaluated: 2024-07-30. Review status: criteria provided, single submitter. Criteria: Natera Variant Classification Schema (03/2026). Collection method: clinical testing. Allele origin: germline.
Comment: The c.822+1G>A variant in LIPA is a canonical splice donor site variant predicted to affect pre-mRNA splicing, which may result in an abnormal transcript and altered protein product. This variant is expected to result in nonsense mediated decay, truncation, or a dysfunctional protein product. This variant is rare in the general population with a frequency below the threshold expected for the associated phenotype(s). Given the available evidence, this variant is classified as Likely Pathogenic.

Counsyl
Classification: Likely pathogenic for Cholesteryl ester storage disease. Last evaluated: 2017-02-14. Review status: no assertion criteria provided. Collection method: clinical testing. Allele origin: unknown. Not counted in ClinVar's aggregate classification.

Literature cited by the submitters: PubMed 16199547 (cited by Labcorp Genetics (formerly Invitae), Labcorp); PubMed 23485521 (cited by Labcorp Genetics (formerly Invitae), Labcorp).